The following is an entry in ClinVar:

ClinVar aggregate classification (germline): Likely benign (1 of 4 stars; one submission).

Conditions:
RAI1-related disorder. Also called: RAI1-related condition.

gnomAD v4.1: 2 of 1,611,360 alleles (0.00012%); highest among the groups gnomAD compares: Non-Finnish European, 0.00017%; no homozygotes.

Submission:

PreventionGenetics, part of Exact Sciences
Classification: Likely benign for RAI1-related condition. Last evaluated: 2026-08-19. Review status: criteria provided, single submitter. Criteria: ACMG Guidelines, 2015. Collection method: clinical testing. Allele origin: germline.
Comment: This variant is classified as likely benign based on ACMG/AMP sequence variant interpretation guidelines (Richards et al. 2015 PMID: 25741868, with internal and published modifications).

NM_030665.4(RAI1):c.3855T>C (p.Asn1285=)

Gene: RAI1 (retinoic acid induced 1; plus strand). Cytogenetic location: 17p11.2.
Variant type: single nucleotide variant.
Coding change: c.3855T>C on transcript NM_030665.4 (MANE Select); coding-DNA position 3855, T replaced by C.
Protein change: p.Asn1285=; no amino-acid change (asparagine 1285 retained).
Molecular consequence: synonymous variant.
Genome position (GRCh38, 1-based): chr17:17,796,803, T>C. VCF-style: chr17-17796803-T-C. GRCh37 (hg19) VCF-style: chr17-17700117-T-C.
Identifiers: ClinVar variation 4993498 (VCV004993498.1).